The following is an entry in ClinVar:

NM_001009944.3(PKD1):c.12333C>T (p.His4111=)

Gene: PKD1 (polycystin 1, transient receptor potential channel interacting; minus strand). Cytogenetic location: 16p13.3.
Variant type: single nucleotide variant.
Coding change: c.12333C>T on transcript NM_001009944.3 (MANE Select); coding-DNA position 12333, C replaced by T.
Protein change: p.His4111=; no amino-acid change (histidine 4111 retained).
Molecular consequence: synonymous variant.
Genome position (GRCh38, 1-based): chr16:2,090,396, G>A on the plus strand (C>T on the coding strand, the complement: PKD1 is on the minus strand). VCF-style: chr16-2090396-G-A. GRCh37 (hg19) VCF-style: chr16-2140397-G-A.
Other names: c.12330C>T, p.His4110= (NM_000296.4).
Identifiers: ClinVar variation 4535524 (VCV004535524.2).

ClinVar aggregate classification (germline): Likely benign. Review status: criteria provided, multiple submitters, no conflicts (2 of 4 stars). 2 submissions from 2 submitters: Likely benign (2). Last evaluated 2026-05-25.

Conditions:
PKD1-related disorder. Also called: PKD1-related condition.

gnomAD v4.1: 9 of 1,612,566 alleles (0.00056%); highest among the groups gnomAD compares: East Asian, 0.0022%; no homozygotes.

Submissions (2):

PreventionGenetics, part of Exact Sciences
Classification: Likely benign for PKD1-related condition. Last evaluated: 2026-05-25. Review status: criteria provided, single submitter. Criteria: ACMG Guidelines, 2015. Collection method: clinical testing. Allele origin: germline.
Comment: This variant is classified as likely benign based on ACMG/AMP sequence variant interpretation guidelines (Richards et al. 2015 PMID: 25741868, with internal and published modifications).

Women's Health and Genetics/Laboratory Corporation of America, LabCorp
Classification: Likely benign. Last evaluated: 2025-09-15. Review status: criteria provided, single submitter. Criteria: LabCorp Variant Classification Summary - May 2015. Collection method: clinical testing. Allele origin: germline.